The following is an entry in ClinVar:

NM_020843.4(SCAPER):c.3373C>G (p.Pro1125Ala)

Gene: SCAPER (S-phase cyclin A associated protein in the ER; minus strand). Cytogenetic location: 15q24.3.
Variant type: single nucleotide variant.
Coding change: c.3373C>G on transcript NM_020843.4 (MANE Select); coding-DNA position 3373, C replaced by G.
Protein change: p.Pro1125Ala; replaces proline 1125 with alanine.
Molecular consequence: missense variant. On other transcripts: non-coding transcript variant (1).
Genome position (GRCh38, 1-based): chr15:76,404,618, G>C on the plus strand (C>G on the coding strand, the complement: SCAPER is on the minus strand). VCF-style: chr15-76404618-G-C. GRCh37 (hg19) VCF-style: chr15-76696959-G-C.
Other names: c.2635C>G, p.Pro879Ala (NM_001145923.2); c.3391C>G, p.Pro1131Ala (NM_001353009.2); c.2971C>G, p.Pro991Ala (NM_001353010.2, NM_001353012.2); c.2989C>G, p.Pro997Ala (NM_001353011.2); short protein forms P1131A, P879A, P991A, P1125A, P997A.
Identifiers: ClinVar variation 5002214 (VCV005002214.1).

ClinVar aggregate classification (germline): Uncertain significance (1 of 4 stars; one submission).

Conditions:
SCAPER-related disorder. Also called: SCAPER-related condition.

Submission:

PreventionGenetics, part of Exact Sciences
Classification: Uncertain significance for SCAPER-related condition. Last evaluated: 2025-05-21. Review status: criteria provided, single submitter. Criteria: ACMG Guidelines, 2015. Collection method: clinical testing. Allele origin: germline.
Comment: The SCAPER c.3391C>G variant is predicted to result in the amino acid substitution p.Pro1131Ala. To our knowledge, this variant has not been reported in the literature or in a large population database (gnomAD), indicating this variant is rare. At this time, the clinical significance of this variant is uncertain due to the absence of conclusive functional and genetic evidence.